The following is an entry in ClinVar:

ClinVar aggregate classification (germline): Likely benign (1 of 4 stars; one submission).

Submission:

CeGaT Center for Human Genetics Tuebingen
Classification: Likely benign. Last evaluated: 2022-08-01. Review status: criteria provided, single submitter. Criteria: CeGaT Center For Human Genetics Tuebingen Variant Classification Criteria Version 2. Collection method: clinical testing. Allele origin: germline. Affected: yes. Observed: 1 variant allele.
Comment: SVEP1: PM2:Supporting, BP4, BP7

NM_153366.4(SVEP1):c.7332G>A (p.Glu2444=)

Gene: SVEP1 (sushi, von Willebrand factor type A, EGF and pentraxin domain containing 1; minus strand). Cytogenetic location: 9q31.3.
Variant type: single nucleotide variant.
Coding change: c.7332G>A on transcript NM_153366.4 (MANE Select); coding-DNA position 7332, G replaced by A.
Protein change: p.Glu2444=; no amino-acid change (glutamic acid 2444 retained).
Molecular consequence: synonymous variant.
Genome position (GRCh38, 1-based): chr9:110,408,268, C>T on the plus strand (G>A on the coding strand, the complement: SVEP1 is on the minus strand). VCF-style: chr9-110408268-C-T. GRCh37 (hg19) VCF-style: chr9-113170548-C-T.
Identifiers: ClinVar variation 2659413 (VCV002659413.24), dbSNP rs2491628765, ClinGen allele CA466899218.
Genomic context (GRCh38, chr9:110,408,268, plus strand): 5'-ATAGAGAGCTGTGCTGAGATAGGCAAGGCCTTGCACATCAATGATTCCATTGGGGATTTC[C>T]TCAGGTTGGGGACATTCTACTGGAACACATTCTGGCAGTGGAGAGCTCCAGGTGCCATCA-3'
Protein context (NP_699197.3, residues 2434-2454): ECVPVECPQP[Glu2444=]EIPNGIIDVQ